The following is an entry in ClinVar:

NM_001364905.1(LRBA):c.5026G>A (p.Val1676Ile)

Gene: LRBA (LPS responsive beige-like anchor protein; minus strand). Cytogenetic location: 4q31.3.
Variant type: single nucleotide variant.
Coding change: c.5026G>A on transcript NM_001364905.1 (MANE Select); coding-DNA position 5026, G replaced by A.
Protein change: p.Val1676Ile; replaces valine 1676 with isoleucine.
Molecular consequence: missense variant.
Genome position (GRCh38, 1-based): chr4:150,828,325, C>T on the plus strand (G>A on the coding strand, the complement: LRBA is on the minus strand). VCF-style: chr4-150828325-C-T. GRCh37 (hg19) VCF-style: chr4-151749477-C-T.
Other names: c.5026G>A, p.Val1676Ile (NM_006726.5, NM_001199282.3, NM_001367550.1); short protein forms V1676I.
Identifiers: ClinVar variation 540387 (VCV000540387.7), dbSNP rs199597592, ClinGen allele CA3102597.
Genomic context (GRCh38, chr4:150,828,325, plus strand): 5'-CCACTGTGACTCCATCTGCTGGTATGTTAACCAAGCTTCGGAGAATGTCTTTCACATTGA[C>T]GTTTTTTGAAACTGAAACTGACGGTGTAGCCTTAGTGTCCAAGTCATTTCCTCTATCATT-3'
Protein context (NP_001351834.1, residues 1666-1686): ATPSVSVSKN[Val1676Ile]NVKDILRSLV

ClinVar aggregate classification (germline): Uncertain significance. Review status: criteria provided, multiple submitters, no conflicts (2 of 4 stars). 2 submissions from 2 submitters: Uncertain significance (2). Last evaluated 2022-08-02.

Conditions:
Combined immunodeficiency due to LRBA deficiency. Also called: Common variable immunodeficiency 8, with autoimmunity. Identifiers: Orphanet 445018, MedGen C3553512, MONDO:0013863, OMIM 614700.
Inborn genetic diseases. Identifiers: MedGen C0950123, MeSH D030342.

Allele frequency attached by ClinVar (database versions not stated): gnomAD exomes 0.00001 and 0.00003; ExAC 0.00002; gnomAD 0.00003 and 0.00004; ESP Exome Variant Server 0.00008; TOPMed 0.00004.
gnomAD v4.1: 27 of 1,614,120 alleles (0.0017%); highest among the groups gnomAD compares: Middle Eastern, 0.016%; no homozygotes.

Submissions (2):

Labcorp Genetics (formerly Invitae), Labcorp
Classification: Uncertain significance for Combined immunodeficiency due to LRBA deficiency. Last evaluated: 2022-08-02. Review status: criteria provided, single submitter. Criteria: Invitae Variant Classification Sherloc (09022015). Collection method: clinical testing. Allele origin: germline.
Comment: This sequence change replaces valine, which is neutral and non-polar, with isoleucine, which is neutral and non-polar, at codon 1676 of the LRBA protein (p.Val1676Ile). This variant is present in population databases (rs199597592, gnomAD 0.02%). This variant has not been reported in the literature in individuals affected with LRBA-related conditions. ClinVar contains an entry for this variant (Variation ID: 540387). Algorithms developed to predict the effect of missense changes on protein structure and function output the following: SIFT: "Tolerated"; PolyPhen-2: "Benign"; Align-GVGD: "Class C0". The isoleucine amino acid residue is found in multiple mammalian species, which suggests that this missense change does not adversely affect protein function. In summary, the available evidence is currently insufficient to determine the role of this variant in disease. Therefore, it has been classified as a Variant of Uncertain Significance.

Ambry Genetics
Classification: Uncertain significance for Inborn genetic diseases. Last evaluated: 2021-08-30. Review status: criteria provided, single submitter. Criteria: Ambry Variant Classification Scheme 2023. Collection method: clinical testing. Allele origin: germline.